The following is an entry in ClinVar:

ClinVar aggregate classification (germline): Pathogenic. Review status: criteria provided, multiple submitters, no conflicts (2 of 4 stars). 2 submissions from 2 submitters: Pathogenic (2). Last evaluated 2024-10-16.

Conditions:
Hereditary cancer-predisposing syndrome. Also called: Hereditary Cancer Syndrome; Tumor predisposition; Neoplastic Syndromes, Hereditary; Hereditary neoplastic syndrome. Identifiers: Orphanet 140162, MedGen C0027672, MeSH D009386, MONDO:0015356.
Cardiovascular phenotype. Identifiers: MedGen CN230736.
Neurofibromatosis, type 1 (NF1). Also called: VON RECKLINGHAUSEN DISEASE; Neurofibromatosis, type I; NEUROFIBROMATOSIS, TYPE I, SOMATIC; Peripheral type neurofibromatosis. Identifiers: Orphanet 636, MedGen C0027831, MONDO:0018975, OMIM 162200. Disease mechanism: loss of function.

Submissions (2):

Labcorp Genetics (formerly Invitae), Labcorp
Classification: Pathogenic for Neurofibromatosis, type 1. Last evaluated: 2024-10-16. Review status: criteria provided, single submitter. Criteria: Invitae Variant Classification Sherloc (09022015). Collection method: clinical testing. Allele origin: germline.
Comment: This sequence change creates a premature translational stop signal (p.Asn214Lysfs*2) in the NF1 gene. It is expected to result in an absent or disrupted protein product. Loss-of-function variants in NF1 are known to be pathogenic (PMID: 10712197, 23913538). This variant is not present in population databases (gnomAD no frequency). This variant has not been reported in the literature in individuals affected with NF1-related conditions. For these reasons, this variant has been classified as Pathogenic.

Ambry Genetics
Classification: Pathogenic for Cardiovascular phenotype; Hereditary cancer-predisposing syndrome. Last evaluated: 2023-07-06. Review status: criteria provided, single submitter. Criteria: Ambry Variant Classification Scheme 2023. Collection method: clinical testing. Allele origin: germline.
Comment: The c.641dupA pathogenic mutation, located in coding exon 6 of the NF1 gene, results from a duplication of A at nucleotide position 641, causing a translational frameshift with a predicted alternate stop codon (p.N214Kfs*2). This alteration was reported as a germline finding in a patient from a cohort of 47 individuals with Neurofibromatosis Type 1 (NF1) who underwent surgical sampling of a glioma (Lucas CG et al. Acta Neuropathol, 2022 Oct;144:747-765). This variant is considered to be rare based on population cohorts in the Genome Aggregation Database (gnomAD). In addition to the clinical data presented in the literature, this alteration is expected to result in loss of function by premature protein truncation or nonsense-mediated mRNA decay. As such, this alteration is interpreted as a disease-causing mutation.

Literature cited by the submitters: PubMed 10712197 (cited by Labcorp Genetics (formerly Invitae), Labcorp); PubMed 23913538 (cited by Labcorp Genetics (formerly Invitae), Labcorp).

NM_001042492.3(NF1):c.641dup (p.Asn214fs)

Gene: NF1 (neurofibromin 1; plus strand). Cytogenetic location: 17q11.2.
Variant type: Duplication.
Coding change: c.641dup on transcript NM_001042492.3 (MANE Select); coding-DNA position 641, one base duplicated (A; older notation c.641dupA).
Protein change: p.Asn214fs; shifts the reading frame from asparagine 214.
Molecular consequence: frameshift variant.
Genome position (GRCh38, 1-based): chr17:31,181,476, A duplicated; the last of 3 consecutive A bases (chr17:31,181,474-31,181,476); duplicating any one gives the same sequence. VCF-style (leftmost placement, unchanged base first): chr17-31181473-T-TA. GRCh37 (hg19) VCF-style: chr17-29508491-T-TA.
Other names: c.641dupA (NM_000267.3); c.641dup, p.Asn214Lysfs (NM_000267.4); c.641dup, p.Asn214fs (NM_001128147.3); short protein forms N214fs.
Identifiers: ClinVar variation 3237878 (VCV003237878.3), dbSNP rs2544747909.